The following is an entry in ClinVar:

ClinVar aggregate classification (germline): Uncertain significance (1 of 4 stars; one submission).

Submission:

CeGaT Center for Human Genetics Tuebingen
Classification: Uncertain significance. Last evaluated: 2025-10-01. Review status: criteria provided, single submitter. Criteria: CeGaT Center For Human Genetics Tuebingen Variant Classification Criteria Version 2. Collection method: clinical testing. Allele origin: germline. Affected: yes. Observed: 1 variant allele.
Comment: INPPL1: PM2

NM_001567.4(INPPL1):c.421C>A (p.Leu141Met)

Gene: INPPL1 (inositol polyphosphate phosphatase like 1; plus strand). Cytogenetic location: 11q13.4.
Variant type: single nucleotide variant.
Coding change: c.421C>A on transcript NM_001567.4 (MANE Select); coding-DNA position 421, C replaced by A.
Protein change: p.Leu141Met; replaces leucine 141 with methionine.
Molecular consequence: missense variant.
Genome position (GRCh38, 1-based): chr11:72,228,750, C>A. VCF-style: chr11-72228750-C-A. GRCh37 (hg19) VCF-style: chr11-71939794-C-A.
Other names: c.421C>A, p.Leu141Met (NM_001440434.1, NM_001440435.1, NM_001440436.1 and 2 more transcripts); short protein forms L141M.
Identifiers: ClinVar variation 4533883 (VCV004533883.6).